The following is an entry in ClinVar:

ClinVar aggregate classification (germline): Uncertain significance (1 of 4 stars; one submission).

Conditions:
ABCC2-related disorder. Also called: ABCC2-related condition.

Submission:

PreventionGenetics, part of Exact Sciences
Classification: Uncertain significance for ABCC2-related condition. Last evaluated: 2024-12-04. Review status: criteria provided, single submitter. Criteria: ACMG Guidelines, 2015. Collection method: clinical testing. Allele origin: germline.
Comment: The ABCC2 c.4121G>A variant is predicted to result in the amino acid substitution p.Arg1374Gln. To our knowledge, this variant has not been reported in the literature. This variant is reported in 0.0033% of alleles in individuals of South Asian descent in gnomAD. At this time, the clinical significance of this variant is uncertain due to the absence of conclusive functional and genetic evidence.

NM_000392.5(ABCC2):c.4121G>A (p.Arg1374Gln)

Gene: ABCC2 (ATP binding cassette subfamily C member 2; plus strand). Cytogenetic location: 10q24.2.
Variant type: single nucleotide variant.
Coding change: c.4121G>A on transcript NM_000392.5 (MANE Select); coding-DNA position 4121, G replaced by A.
Protein change: p.Arg1374Gln; replaces arginine 1374 with glutamine.
Molecular consequence: missense variant.
Genome position (GRCh38, 1-based): chr10:99,845,757, G>A. VCF-style: chr10-99845757-G-A. GRCh37 (hg19) VCF-style: chr10-101605514-G-A.
Other names: short protein forms R1374Q.
Identifiers: ClinVar variation 5002182 (VCV005002182.1).
Genomic context (GRCh38, chr10:99,845,757, plus strand): 5'-CCGGTGGTCAGATTATCATTGATGGAGTAGATATTGCTTCCATTGGGCTCCACGACCTCC[G>A]AGAGAAGCTGACCATCATCCCCCAGGTGAGCTCTAGAACTTACTCGGGCACATGCCGTGG-3'
Protein context (NP_000383.2, residues 1364-1384): DIASIGLHDL[Arg1374Gln]EKLTIIPQDP